The following is an entry in ClinVar:

ClinVar aggregate classification (germline): Likely pathogenic (1 of 4 stars; one submission).

Conditions:
Developmental and epileptic encephalopathy, 57. Also called: EPILEPTIC ENCEPHALOPATHY, EARLY INFANTILE, 57. Identifiers: MedGen C4540411, MONDO:0033366, OMIM 617771.

Submission:

3billion
Classification: Likely pathogenic for Developmental and epileptic encephalopathy, 57. Last evaluated: 2025-07-03. Review status: criteria provided, single submitter. Criteria: ACMG Guidelines, 2015. Collection method: clinical testing. Allele origin: germline. Affected: yes.
Comment: The variant is not observed in the gnomAD v4.1.0 dataset. Predicted Consequence/Location: Stop-gained (nonsense): predicted to result in a loss or disruption of normal protein function through nonsense-mediated decay (NMD) or protein truncation. Multiple pathogenic variants are reported downstream of the variant. Therefore, this variant is classified as Likely pathogenic according to the recommendation of ACMG/AMP guideline.

NM_198503.5(KCNT2):c.1212G>A (p.Trp404Ter)

Gene: KCNT2 (potassium sodium-activated channel subfamily T member 2; minus strand). Cytogenetic location: 1q31.3.
Variant type: single nucleotide variant.
Coding change: c.1212G>A on transcript NM_198503.5 (MANE Select); coding-DNA position 1212, G replaced by A.
Protein change: p.Trp404Ter; replaces tryptophan 404 with a stop codon.
Molecular consequence: nonsense. On other transcripts: non-coding transcript variant (2).
Genome position (GRCh38, 1-based): chr1:196,398,645, C>T on the plus strand (G>A on the coding strand, the complement: KCNT2 is on the minus strand). VCF-style: chr1-196398645-C-T. GRCh37 (hg19) VCF-style: chr1-196367775-C-T.
Other names: c.1212G>A, p.Trp404Ter (NM_001287820.3, NM_001287819.3); short protein forms W404*.
Identifiers: ClinVar variation 4854324 (VCV004854324.1).
Genomic context (GRCh38, chr1:196,398,645, plus strand): 5'-ATTTTCAGGCTTTAATATCTGGACATACAAAGGACAATTTGGAGCAAAATCTTTCACAGC[C>T]CATGCTCTCAAAATTGTTTGGTGATCCTGAAGTGATCAAAATAAAAACATCATAGCATAA-3'